The following is an entry in ClinVar:

ClinVar aggregate classification (germline): Uncertain significance. Review status: criteria provided, multiple submitters, no conflicts (2 of 4 stars). 3 submissions from 3 submitters: Uncertain significance (3). Last evaluated 2024-10-29.

Conditions:
Werner syndrome (WRN). Identifiers: Orphanet 902, MedGen C0043119, MONDO:0010196, OMIM 277700.

Allele frequency attached by ClinVar (database versions not stated): TOPMed 0.00006; ExAC 0.00007; gnomAD exomes 0.00007 and 0.00012; gnomAD 0.00008 and 0.00009.
gnomAD v4.1: 185 of 1,612,886 alleles (0.011%); highest among the groups gnomAD compares: Non-Finnish European, 0.015%; no homozygotes.

Submissions (3):

Labcorp Genetics (formerly Invitae), Labcorp
Classification: Uncertain significance for Werner syndrome. Last evaluated: 2024-10-29. Review status: criteria provided, single submitter. Criteria: Invitae Variant Classification Sherloc (09022015). Collection method: clinical testing. Allele origin: germline.
Comment: This sequence change replaces histidine, which is basic and polar, with proline, which is neutral and non-polar, at codon 916 of the WRN protein (p.His916Pro). This variant is present in population databases (rs754985773, gnomAD 0.02%). This variant has not been reported in the literature in individuals affected with WRN-related conditions. ClinVar contains an entry for this variant (Variation ID: 404018). An algorithm developed to predict the effect of missense changes on protein structure and function (PolyPhen-2) suggests that this variant is likely to be disruptive. In summary, the available evidence is currently insufficient to determine the role of this variant in disease. Therefore, it has been classified as a Variant of Uncertain Significance.

GeneDx
Classification: Uncertain significance. Last evaluated: 2023-08-02. Review status: criteria provided, single submitter. Criteria: GeneDx Variant Classification Process June 2021. Collection method: clinical testing. Allele origin: germline. Affected: yes.
Comment: In silico analysis supports that this missense variant has a deleterious effect on protein structure/function; Observed in individual with dyslipidemia and/or a metabolic disorder in published literature (Dron et al., 2020); This variant is associated with the following publications: (PMID: 32041611)

Genetic Services Laboratory, University of Chicago
Classification: Uncertain significance. Last evaluated: 2020-02-06. Review status: criteria provided, single submitter. Criteria: ACMG Guidelines, 2015. Collection method: clinical testing. Allele origin: germline. Affected: no.
Comment: DNA sequence analysis of the WRN gene demonstrated a sequence change, c.2747A>C, in exon 23 that results in an amino acid change, p.His916Pro. This sequence change does not appear to have been previously described in patients with WRN-related disorders and has been described in the gnomAD database with a frequency of 0.02% in European populations (dbSNP rs754985773). The p.His916Pro change affects a highly conserved amino acid residue located in a domain of the WRN protein that is known to be functional. In-silico pathogenicity prediction tools (SIFT, PolyPhen2, Align GVGD, REVEL) provide contradictory results for the p.His916Pro substitution. Due to these contrasting evidences and the lack of functional studies, the clinical significance of the p.His916Pro change remains unknown at this time.

NM_000553.6(WRN):c.2747A>C (p.His916Pro)

Gene: WRN (WRN RecQ like helicase; plus strand). Cytogenetic location: 8p12.
Variant type: single nucleotide variant.
Coding change: c.2747A>C on transcript NM_000553.6 (MANE Select); coding-DNA position 2747, A replaced by C.
Protein change: p.His916Pro; replaces histidine 916 with proline.
Molecular consequence: missense variant.
Genome position (GRCh38, 1-based): chr8:31,124,922, A>C. VCF-style: chr8-31124922-A-C. GRCh37 (hg19) VCF-style: chr8-30982438-A-C.
Other names: short protein forms H916P.
Identifiers: ClinVar variation 404018 (VCV000404018.22), dbSNP rs754985773, ClinGen allele CA4704845.